The following is an entry in ClinVar:

NM_001358530.2(MOCS1):c.644A>G (p.Lys215Arg)

Gene: MOCS1 (molybdenum cofactor synthesis 1; minus strand). Cytogenetic location: 6p21.2.
Variant type: single nucleotide variant.
Coding change: c.644A>G on transcript NM_001358530.2 (MANE Select); coding-DNA position 644, A replaced by G.
Protein change: p.Lys215Arg; replaces lysine 215 with arginine.
Molecular consequence: missense variant. On other transcripts: non-coding transcript variant (1).
Genome position (GRCh38, 1-based): chr6:39,913,775, T>C on the plus strand (A>G on the coding strand, the complement: MOCS1 is on the minus strand). VCF-style: chr6-39913775-T-C. GRCh37 (hg19) VCF-style: chr6-39881519-T-C.
Other names: c.644A>G, p.Lys215Arg (NM_001075098.4, NM_001358529.2, NM_005943.6); c.383A>G, p.Lys128Arg (NM_001358531.2, NM_001358533.2, NM_001358534.2); short protein forms K128R, K215R.
Identifiers: ClinVar variation 661147 (VCV000661147.7), dbSNP rs887485143, ClinGen allele CA137651900.

ClinVar aggregate classification (germline): Uncertain significance (1 of 4 stars; one submission).

Conditions:
Sulfite oxidase deficiency due to molybdenum cofactor deficiency type A. Also called: Molybdenum cofactor deficiency, complementation group A; Molybdenum Cofactor Deficiency A. Identifiers: Orphanet 308386, Orphanet 833, MedGen C1854988, MONDO:0009643, OMIM 252150.

Allele frequency attached by ClinVar (database versions not stated): gnomAD exomes below 0.00001; gnomAD 0.00002 and 0.00003; TOPMed 0.00006.
gnomAD v4.1: 7 of 1,614,012 alleles (0.00043%); highest among the groups gnomAD compares: African/African-American, 0.008%; no homozygotes.

Submission:

Labcorp Genetics (formerly Invitae), Labcorp
Classification: Uncertain significance for Sulfite oxidase deficiency due to molybdenum cofactor deficiency type A. Last evaluated: 2025-03-10. Review status: criteria provided, single submitter. Criteria: Invitae Variant Classification Sherloc (09022015). Collection method: clinical testing. Allele origin: germline.
Comment: This sequence change replaces lysine, which is basic and polar, with arginine, which is basic and polar, at codon 215 of the MOCS1 protein (p.Lys215Arg). This variant is present in population databases (no rsID available, gnomAD 0.01%). This variant has not been reported in the literature in individuals affected with MOCS1-related conditions. ClinVar contains an entry for this variant (Variation ID: 661147). An algorithm developed to predict the effect of missense changes on protein structure and function (PolyPhen-2) suggests that this variant is likely to be disruptive. In summary, the available evidence is currently insufficient to determine the role of this variant in disease. Therefore, it has been classified as a Variant of Uncertain Significance.